The following is an entry in ClinVar:

NM_198994.3(TGM6):c.1592T>A (p.Leu531Gln)

Gene: TGM6 (transglutaminase 6; plus strand). Cytogenetic location: 20p13.
Variant type: single nucleotide variant.
Coding change: c.1592T>A on transcript NM_198994.3 (MANE Select); coding-DNA position 1592, T replaced by A.
Protein change: p.Leu531Gln; replaces leucine 531 with glutamine.
Molecular consequence: missense variant.
Genome position (GRCh38, 1-based): chr20:2,417,487, T>A. VCF-style: chr20-2417487-T-A. GRCh37 (hg19) VCF-style: chr20-2398133-T-A.
Other names: c.1592T>A, p.Leu531Gln (NM_001254734.2); short protein forms L531Q.
Identifiers: ClinVar variation 2780746 (VCV002780746.3), dbSNP rs2514391358, ClinGen allele CA408015415.

ClinVar aggregate classification (germline): Uncertain significance (1 of 4 stars; one submission).

Submission:

Labcorp Genetics (formerly Invitae), Labcorp
Classification: Uncertain significance. Last evaluated: 2023-01-22. Review status: criteria provided, single submitter. Criteria: Invitae Variant Classification Sherloc (09022015). Collection method: clinical testing. Allele origin: germline.
Comment: This variant is not present in population databases (gnomAD no frequency). This sequence change replaces leucine, which is neutral and non-polar, with glutamine, which is neutral and polar, at codon 531 of the TGM6 protein (p.Leu531Gln). This variant has not been reported in the literature in individuals affected with TGM6-related conditions. In summary, the available evidence is currently insufficient to determine the role of this variant in disease. Therefore, it has been classified as a Variant of Uncertain Significance. Advanced modeling of protein sequence and biophysical properties (such as structural, functional, and spatial information, amino acid conservation, physicochemical variation, residue mobility, and thermodynamic stability) performed at Invitae indicates that this missense variant is not expected to disrupt TGM6 protein function.